The following is an entry in ClinVar:

ClinVar aggregate classification (germline): Conflicting classifications of pathogenicity. Review status: criteria provided, conflicting classifications (1 of 4 stars). 2 submissions from 2 submitters: Uncertain significance (1); Likely benign (1). Last evaluated 2025-11-22.

Conditions:
Adams-Oliver syndrome 5 (AOS5). Identifiers: Orphanet 974, MedGen C4014970, MONDO:0014459, OMIM 616028.
Familial thoracic aortic aneurysm and aortic dissection (TAAD). Also called: Thoracic aortic aneurysms and dissections. Identifiers: Orphanet 91387, MedGen C4707243, MONDO:0019625.

gnomAD v4.1: 21 of 1,607,056 alleles (0.0013%); highest among the groups gnomAD compares: Non-Finnish European, 0.0018%; no homozygotes.

Submissions (2):

Labcorp Genetics (formerly Invitae), Labcorp
Classification: Likely benign for Adams-Oliver syndrome 5. Last evaluated: 2025-11-22. Review status: criteria provided, single submitter. Criteria: Invitae Variant Classification Sherloc (09022015). Collection method: clinical testing. Allele origin: germline.

Ambry Genetics
Classification: Uncertain significance for Familial thoracic aortic aneurysm and aortic dissection. Last evaluated: 2023-09-29. Review status: criteria provided, single submitter. Criteria: Ambry Variant Classification Scheme 2023. Collection method: clinical testing. Allele origin: germline.
Comment: The c.4587-5C>T intronic variant results from a C to T substitution 5 nucleotides upstream from coding exon 26 in the NOTCH1 gene. This nucleotide position is not well conserved in available vertebrate species. In silico splice site analysis predicts that this alteration will not have any significant effect on splicing. Since supporting evidence is limited at this time, the clinical significance of this alteration remains unclear.

NM_017617.5(NOTCH1):c.4587-5C>T

Gene: NOTCH1 (notch receptor 1; minus strand). Cytogenetic location: 9q34.3.
Variant type: single nucleotide variant.
Coding change: c.4587-5C>T on transcript NM_017617.5 (MANE Select); 5 bases into the intron before coding-DNA position 4587, C replaced by T.
Molecular consequence: intron variant.
Genome position (GRCh38, 1-based): chr9:136,505,109, G>A on the plus strand (C>T on the coding strand, the complement: NOTCH1 is on the minus strand). VCF-style: chr9-136505109-G-A. GRCh37 (hg19) VCF-style: chr9-139399561-G-A.
Identifiers: ClinVar variation 1741676 (VCV001741676.5), dbSNP rs780617240, ClinGen allele CA5340563.